The following is an entry in ClinVar:

NM_000540.3(RYR1):c.3243A>G (p.Thr1081=)

Gene: RYR1 (ryanodine receptor 1; plus strand). Cytogenetic location: 19q13.2.
Variant type: single nucleotide variant.
Coding change: c.3243A>G on transcript NM_000540.3 (MANE Select); coding-DNA position 3243, A replaced by G.
Protein change: p.Thr1081=; no amino-acid change (threonine 1081 retained).
Molecular consequence: synonymous variant.
Genome position (GRCh38, 1-based): chr19:38,467,674, A>G. VCF-style: chr19-38467674-A-G. GRCh37 (hg19) VCF-style: chr19-38958314-A-G.
Other names: c.3243A>G, p.Thr1081= (NM_001042723.2).
Identifiers: ClinVar variation 3073678 (VCV003073678.1), dbSNP rs761022483, ClinGen allele CA507234652.

ClinVar aggregate classification (germline): Likely benign (1 of 4 stars; one submission).

Conditions:
Malignant hyperthermia, susceptibility to, 1 (MHS1). Also called: Anesthesia related hyperthermia; Malignant hyperpyrexia; Fulminating hyperpyrexia; Pharmacogenic myopathy; RYR1-Related Malignant Hyperthermia Susceptibility; Malignant hyperthermia suceptibility 1. Identifiers: Orphanet 423, MedGen C2930980, MONDO:0007783, OMIM 145600.

gnomAD v4.1: 3 of 1,614,204 alleles (0.00019%); highest among the groups gnomAD compares: South Asian, 0.0011%; no homozygotes.

Submission:

All of Us Research Program, National Institutes of Health
Classification: Likely benign for Malignant hyperthermia, susceptibility to, 1. Last evaluated: 2023-10-06. Review status: criteria provided, single submitter. Criteria: ACMG Guidelines, 2015. Collection method: clinical testing. Allele origin: germline. Inheritance: Autosomal dominant inheritance. Observed: 1 variant allele, 1 heterozygote.
Comment: This study involves interpretation of variants in research participants for the purpose of population health screening. Participant phenotype was not available at the time of variant classification. Additional details can be found in publication PMID: 35346344, PMCID: PMC8962531